The following is an entry in ClinVar:

ClinVar aggregate classification (germline): Uncertain significance. Review status: criteria provided, multiple submitters, no conflicts (2 of 4 stars). 4 submissions from 4 submitters: Uncertain significance (3). 1 of the submissions does not count toward it. Last evaluated 2026-03-28.

Conditions:
Inborn genetic diseases. Identifiers: MedGen C0950123, MeSH D030342.
Retinitis pigmentosa 28 (RP28). Identifiers: Orphanet 791, MedGen C1419614, MONDO:0011630, OMIM 606068.
FAM161A-related disorder. Also called: FAM161A-related condition.

Allele frequency attached by ClinVar (database versions not stated): gnomAD exomes 0.00004; ExAC 0.00006; gnomAD 0.00013 and 0.00016; ESP Exome Variant Server 0.00017; TOPMed 0.00017.
gnomAD v4.1: 44 of 1,600,644 alleles (0.0027%); highest among the groups gnomAD compares: African/African-American, 0.04%; no homozygotes.

Submissions (4):

PreventionGenetics, part of Exact Sciences
Classification: Uncertain significance for FAM161A-related condition. Last evaluated: 2026-03-28. Review status: criteria provided, single submitter. Criteria: ACMG Guidelines, 2015. Collection method: clinical testing. Allele origin: germline.
Comment: The FAM161A c.2011A>G variant is predicted to result in the amino acid substitution p.Asn671Asp. To our knowledge, this variant has not been reported in the literature. This variant is reported in 0.042% of alleles in individuals of African descent in gnomAD. At this time, the clinical significance of this variant is uncertain due to the absence of conclusive functional and genetic evidence.

Ambry Genetics
Classification: Uncertain significance for Inborn genetic diseases. Last evaluated: 2024-08-20. Review status: criteria provided, single submitter. Criteria: Ambry Variant Classification Scheme 2023. Collection method: clinical testing. Allele origin: germline.

Labcorp Genetics (formerly Invitae), Labcorp
Classification: Uncertain significance. Last evaluated: 2022-09-27. Review status: criteria provided, single submitter. Criteria: Invitae Variant Classification Sherloc (09022015). Collection method: clinical testing. Allele origin: germline.
Comment: This sequence change replaces asparagine, which is neutral and polar, with aspartic acid, which is acidic and polar, at codon 671 of the FAM161A protein (p.Asn671Asp). This variant is present in population databases (rs370603613, gnomAD 0.04%). This variant has not been reported in the literature in individuals affected with FAM161A-related conditions. ClinVar contains an entry for this variant (Variation ID: 858459). Algorithms developed to predict the effect of missense changes on protein structure and function output the following: SIFT: "Tolerated"; PolyPhen-2: "Benign"; Align-GVGD: "Class C0". The aspartic acid amino acid residue is found in multiple mammalian species, which suggests that this missense change does not adversely affect protein function. In summary, the available evidence is currently insufficient to determine the role of this variant in disease. Therefore, it has been classified as a Variant of Uncertain Significance.

Natera, Inc.
Classification: Uncertain significance for Retinitis pigmentosa type 28. Last evaluated: 2020-03-10. Review status: no assertion criteria provided. Collection method: clinical testing. Allele origin: germline. Not counted in ClinVar's aggregate classification.

NM_001201543.2(FAM161A):c.2011A>G (p.Asn671Asp)

Gene: FAM161A (FAM161 centrosomal protein A; minus strand). Cytogenetic location: 2p15.
Variant type: single nucleotide variant.
Coding change: c.2011A>G on transcript NM_001201543.2 (MANE Select); coding-DNA position 2011, A replaced by G.
Protein change: p.Asn671Asp; replaces asparagine 671 with aspartic acid.
Molecular consequence: missense variant. On other transcripts: non-coding transcript variant (1).
Genome position (GRCh38, 1-based): chr2:61,826,595, T>C on the plus strand (A>G on the coding strand, the complement: FAM161A is on the minus strand). VCF-style: chr2-61826595-T-C. GRCh37 (hg19) VCF-style: chr2-62053730-T-C.
Other names: c.1843A>G, p.Asn615Asp (NM_032180.3); short protein forms N615D, N671D.
Identifiers: ClinVar variation 858459 (VCV000858459.6), dbSNP rs370603613, ClinGen allele CA1678960.